The following is an entry in ClinVar:

ClinVar aggregate classification (germline): Uncertain significance. Review status: criteria provided, multiple submitters, no conflicts (2 of 4 stars). 2 submissions from 2 submitters: Uncertain significance (2). Last evaluated 2022-12-23.

Conditions:
Mosaic variegated aneuploidy syndrome 1 (MVA1). Also called: Warburton-Anyane-Yeboa syndrome. Identifiers: Orphanet 1052, MedGen C1850343, MONDO:0009759, OMIM 257300.
Inborn genetic diseases. Identifiers: MedGen C0950123, MeSH D030342.

Allele frequency attached by ClinVar (database versions not stated): gnomAD exomes below 0.00001.
gnomAD v4.1: 1 of 1,613,944 alleles (0.000062%); no homozygotes.

Submissions (2):

Ambry Genetics
Classification: Uncertain significance for Inborn genetic diseases. Last evaluated: 2022-12-23. Review status: criteria provided, single submitter. Criteria: Ambry Variant Classification Scheme 2023. Collection method: clinical testing. Allele origin: germline.
Comment: The p.A546V variant (also known as c.1637C>T), located in coding exon 14 of the BUB1B gene, results from a C to T substitution at nucleotide position 1637. The alanine at codon 546 is replaced by valine, an amino acid with similar properties. This amino acid position is conserved. In addition, this alteration is predicted to be tolerated by in silico analysis. Since supporting evidence is limited at this time, the clinical significance of this alteration remains unclear.

Labcorp Genetics (formerly Invitae), Labcorp
Classification: Uncertain significance for Mosaic variegated aneuploidy syndrome 1. Last evaluated: 2022-01-06. Review status: criteria provided, single submitter. Criteria: Invitae Variant Classification Sherloc (09022015). Collection method: clinical testing. Allele origin: germline.
Comment: This variant is not present in population databases (gnomAD no frequency). In summary, the available evidence is currently insufficient to determine the role of this variant in disease. Therefore, it has been classified as a Variant of Uncertain Significance. Algorithms developed to predict the effect of missense changes on protein structure and function (SIFT, PolyPhen-2, Align-GVGD) all suggest that this variant is likely to be tolerated. This variant has not been reported in the literature in individuals affected with BUB1B-related conditions. This sequence change replaces alanine, which is neutral and non-polar, with valine, which is neutral and non-polar, at codon 546 of the BUB1B protein (p.Ala546Val).

NM_001211.6(BUB1B):c.1637C>T (p.Ala546Val)

Gene: BUB1B (BUB1 mitotic checkpoint serine/threonine kinase B; plus strand). Cytogenetic location: 15q15.1.
Variant type: single nucleotide variant.
Coding change: c.1637C>T on transcript NM_001211.6 (MANE Select); coding-DNA position 1637, C replaced by T.
Protein change: p.Ala546Val; replaces alanine 546 with valine.
Molecular consequence: missense variant.
Genome position (GRCh38, 1-based): chr15:40,202,597, C>T. VCF-style: chr15-40202597-C-T. GRCh37 (hg19) VCF-style: chr15-40494798-C-T.
Other names: short protein forms A546V.
Identifiers: ClinVar variation 2145044 (VCV002145044.6), dbSNP rs2542559330, ClinGen allele CA391691550.
Genomic context (GRCh38, chr15:40,202,597, plus strand): 5'-TAGGGGTTACTGTTATGAAAAAAATTGCTAAGTGAGGTATGTCTTTTTCCAGTCCTCCTG[C>T]AGATCCCCCACGAGTTTTAGCTCAACGAAGACCCCTTGCAGTTCTCAAAACCTCAGAAAG-3'
Protein context (NP_001202.5, residues 536-556): LSEKKNKSPP[Ala546Val]DPPRVLAQRR